The following is an entry in ClinVar:

NM_001111125.3(IQSEC2):c.3824C>G (p.Pro1275Arg)

Gene: IQSEC2 (IQ motif and Sec7 domain ArfGEF 2; minus strand). Cytogenetic location: Xp11.22.
Variant type: single nucleotide variant.
Coding change: c.3824C>G on transcript NM_001111125.3 (MANE Select); coding-DNA position 3824, C replaced by G.
Protein change: p.Pro1275Arg; replaces proline 1275 with arginine.
Molecular consequence: missense variant. On other transcripts: 3 prime UTR variant (2).
Genome position (GRCh38, 1-based): chrX:53,234,862, G>C on the plus strand (C>G on the coding strand, the complement: IQSEC2 is on the minus strand). VCF-style: chrX-53234862-G-C. GRCh37 (hg19) VCF-style: chrX-53264044-G-C.
Other names: c.*309C>G (NM_001410736.1, NM_015075.2); short protein forms P1275R.
Identifiers: ClinVar variation 3634896 (VCV003634896.2).

ClinVar aggregate classification (germline): Uncertain significance (1 of 4 stars; one submission).

Conditions:
Intellectual developmental disorder, X-linked 1. Also called: Atkin Flaitz Patil Smith syndrome; MENTAL RETARDATION, X-LINKED 18; MENTAL RETARDATION, X-LINKED 78; Intellectual disability, X-linked 1. Identifiers: Orphanet 777, MedGen C2931498, MONDO:0010656, OMIM 309530.

Submission:

Labcorp Genetics (formerly Invitae), Labcorp
Classification: Uncertain significance for Intellectual developmental disorder, X-linked 1. Last evaluated: 2024-04-02. Review status: criteria provided, single submitter. Criteria: Invitae Variant Classification Sherloc (09022015). Collection method: clinical testing. Allele origin: germline.
Comment: This sequence change replaces proline, which is neutral and non-polar, with arginine, which is basic and polar, at codon 1275 of the IQSEC2 protein (p.Pro1275Arg). This variant is not present in population databases (gnomAD no frequency). This variant has not been reported in the literature in individuals affected with IQSEC2-related conditions. Advanced modeling of protein sequence and biophysical properties (such as structural, functional, and spatial information, amino acid conservation, physicochemical variation, residue mobility, and thermodynamic stability) performed at Invitae indicates that this missense variant is not expected to disrupt IQSEC2 protein function with a negative predictive value of 95%. In summary, the available evidence is currently insufficient to determine the role of this variant in disease. Therefore, it has been classified as a Variant of Uncertain Significance.